The following is an entry in ClinVar:

ClinVar aggregate classification (germline): Likely pathogenic (1 of 4 stars; one submission).

Submission:

ARUP Laboratories, Molecular Genetics and Genomics, ARUP Laboratories
Classification: Likely pathogenic. Last evaluated: 2017-06-30. Review status: criteria provided, single submitter. Criteria: ARUP Molecular Germline Variant Investigation Process. Collection method: clinical testing. Allele origin: germline.
Comment: The p.Gly918Arg variant has not been reported in the scientific literature, gene specific variant and population databases such as 1000 Genomes, Exome Variant Server and Exome Aggregation Consortium (ExAC) browser or previously identified in our laboratory. However, one COL2A1 variant in the same amino acid codon leading to a different amino acid change has been reported: c.2752G>T; p.Gly918Cys in one COL2A1 related dysplasia patient (Terhal 2012). p.Gly918Arg is predicted to be a dominant negative variant that leads to glycine substitution in the core repeat (Gly-X-Y) of the COL2A1 helical region and introduces structural change in half of the alpha-1 chains, affecting homotrimer assembly and stability. This variant is likely pathogenic.

NM_001844.5(COL2A1):c.2752G>C (p.Gly918Arg)

Gene: COL2A1 (collagen type II alpha 1 chain; minus strand). Cytogenetic location: 12q13.11.
Variant type: single nucleotide variant.
Coding change: c.2752G>C on transcript NM_001844.5 (MANE Select); coding-DNA position 2752, G replaced by C.
Protein change: p.Gly918Arg; replaces glycine 918 with arginine.
Molecular consequence: missense variant.
Genome position (GRCh38, 1-based): chr12:47,978,740, C>G on the plus strand (G>C on the coding strand, the complement: COL2A1 is on the minus strand). VCF-style: chr12-47978740-C-G. GRCh37 (hg19) VCF-style: chr12-48372523-C-G.
Other names: c.2545G>C, p.Gly849Arg (NM_033150.3); short protein forms G918R, G849R.
Identifiers: ClinVar variation 618576 (VCV000618576.8), dbSNP rs1565672299, ClinGen allele CA384543429.